The following is an entry in ClinVar:

ClinVar aggregate classification (germline): Uncertain significance (1 of 4 stars; one submission).

Allele frequency attached by ClinVar (database versions not stated): gnomAD exomes below 0.00001; ExAC 0.00001.
gnomAD v4.1: 1 of 1,613,474 alleles (0.000062%); highest among the groups gnomAD compares: Non-Finnish European, 0.000085%; no homozygotes.

Submission:

Labcorp Genetics (formerly Invitae), Labcorp
Classification: Uncertain significance. Last evaluated: 2023-01-14. Review status: criteria provided, single submitter. Criteria: Invitae Variant Classification Sherloc (09022015). Collection method: clinical testing. Allele origin: germline.
Comment: In summary, the available evidence is currently insufficient to determine the role of this variant in disease. Therefore, it has been classified as a Variant of Uncertain Significance. Algorithms developed to predict the effect of missense changes on protein structure and function output the following: SIFT: "Tolerated"; PolyPhen-2: "Benign"; Align-GVGD: "Class C0". The tyrosine amino acid residue is found in multiple mammalian species, which suggests that this missense change does not adversely affect protein function. This variant has not been reported in the literature in individuals affected with TNFRSF11A-related conditions. This variant is present in population databases (rs766728992, gnomAD 0.0009%). This sequence change replaces cysteine, which is neutral and slightly polar, with tyrosine, which is neutral and polar, at codon 446 of the TNFRSF11A protein (p.Cys446Tyr).

NM_003839.4(TNFRSF11A):c.1337G>A (p.Cys446Tyr)

Gene: TNFRSF11A (TNF receptor superfamily member 11a; plus strand). Cytogenetic location: 18q21.33.
Variant type: single nucleotide variant.
Coding change: c.1337G>A on transcript NM_003839.4 (MANE Select); coding-DNA position 1337, G replaced by A.
Protein change: p.Cys446Tyr; replaces cysteine 446 with tyrosine.
Molecular consequence: missense variant. On other transcripts: intron variant (3).
Genome position (GRCh38, 1-based): chr18:62,369,254, G>A. VCF-style: chr18-62369254-G-A. GRCh37 (hg19) VCF-style: chr18-60036487-G-A.
Other names: c.1295G>A, p.Cys432Tyr (NM_001278268.2); c.783+2494G>A (NM_001270949.2); c.730+7461G>A (NM_001270950.2); c.616+9205G>A (NM_001270951.2); short protein forms C432Y, C446Y.
Identifiers: ClinVar variation 2785391 (VCV002785391.3), dbSNP rs766728992, ClinGen allele CA8983949.